The following is an entry in ClinVar:

ClinVar aggregate classification (germline): Uncertain significance (1 of 4 stars; one submission).

Conditions:
Hereditary cancer-predisposing syndrome. Also called: Tumor predisposition; Neoplastic Syndromes, Hereditary; Hereditary neoplastic syndrome; Hereditary Cancer Syndrome. Identifiers: Orphanet 140162, MedGen C0027672, MeSH D009386, MONDO:0015356.

gnomAD v4.1: 1 of 1,614,166 alleles (0.000062%); highest among the groups gnomAD compares: Non-Finnish European, 0.000085%; no homozygotes.

Submission:

Ambry Genetics
Classification: Uncertain significance for Hereditary cancer-predisposing syndrome. Last evaluated: 2025-08-27. Review status: criteria provided, single submitter. Criteria: Ambry Variant Classification Scheme 2023. Collection method: clinical testing. Allele origin: germline.
Comment: The p.N43K variant (also known as c.129C>G), located in coding exon 2 of the MUTYH gene, results from a C to G substitution at nucleotide position 129. The asparagine at codon 43 is replaced by lysine, an amino acid with similar properties. This amino acid position is conserved. In addition, this alteration is predicted to be tolerated by in silico analysis. Based on the available evidence, the clinical significance of this variant remains unclear.

NM_001048174.2(MUTYH):c.87C>G (p.Asn29Lys)

Gene: MUTYH (mutY DNA glycosylase; minus strand). Cytogenetic location: 1p34.1.
Variant type: single nucleotide variant.
Coding change: c.87C>G on transcript NM_001048174.2 (MANE Select); coding-DNA position 87, C replaced by G.
Protein change: p.Asn29Lys; replaces asparagine 29 with lysine.
Molecular consequence: missense variant. On other transcripts: 5 prime UTR variant (7), non-coding transcript variant (7).
Genome position (GRCh38, 1-based): chr1:45,334,419, G>C on the plus strand (C>G on the coding strand, the complement: MUTYH is on the minus strand). VCF-style: chr1-45334419-G-C. GRCh37 (hg19) VCF-style: chr1-45800091-G-C.
Other names: c.87C>G, p.Asn29Lys (NM_001407072.1, NM_001407077.1, NM_001407078.1 and 15 more transcripts); c.129C>G, p.Asn43Lys (NM_001407073.1, NM_012222.3, NM_001128425.2 and 2 more transcripts); c.-70C>G (NM_001407075.1); c.-121C>G (NM_001407082.1, NM_001350651.2); c.105C>G, p.Asn35Lys (NM_001407087.1); c.-126C>G (NM_001407091.1, NM_001293192.2, NM_001293196.2); c.-185C>G (NM_001350650.2); short protein forms N29K, N35K, N43K.
Identifiers: ClinVar variation 4113162 (VCV004113162.1).